The following is an entry in ClinVar:

NM_005883.3(APC2):c.3716G>T (p.Arg1239Leu)

Gene: APC2 (APC regulator of Wnt signaling pathway 2; plus strand). Cytogenetic location: 19p13.3.
Variant type: single nucleotide variant.
Coding change: c.3716G>T on transcript NM_005883.3 (MANE Select); coding-DNA position 3716, G replaced by T.
Protein change: p.Arg1239Leu; replaces arginine 1239 with leucine.
Molecular consequence: missense variant.
Genome position (GRCh38, 1-based): chr19:1,467,017, G>T. VCF-style: chr19-1467017-G-T. GRCh37 (hg19) VCF-style: chr19-1467016-G-T.
Other names: c.3713G>T, p.Arg1238Leu (NM_001351273.1); short protein forms R1238L, R1239L.
Identifiers: ClinVar variation 1879406 (VCV001879406.29), dbSNP rs776326309, ClinGen allele CA403031898.
Genomic context (GRCh38, chr19:1,467,017, plus strand): 5'-CGCCACAGGGTCCCCCCGAGGCCACCCAGTTCAGCCTGCAGTGGGAGAGCTACGTGAAGC[G>T]CTTCCTGGACATCGCCGACTGCCGGGAGCGCTGCCGGCTGCCATCTGAGCTGGACGCAGG-3'
Protein context (NP_005874.1, residues 1229-1249): FSLQWESYVK[Arg1239Leu]FLDIADCRER

ClinVar aggregate classification (germline): Uncertain significance (1 of 4 stars; one submission).

gnomAD v4.1: 9 of 1,610,724 alleles (0.00056%); highest among the groups gnomAD compares: Non-Finnish European, 0.00059%; no homozygotes.

Submission:

CeGaT Center for Human Genetics Tuebingen
Classification: Uncertain significance. Last evaluated: 2023-03-01. Review status: criteria provided, single submitter. Criteria: CeGaT Center For Human Genetics Tuebingen Variant Classification Criteria Version 2. Collection method: clinical testing. Allele origin: germline. Affected: yes. Observed: 2 variant alleles.
Comment: APC2: PM2, PP3, PP4